The following is an entry in ClinVar:

ClinVar aggregate classification (germline): Pathogenic. Review status: criteria provided, multiple submitters, no conflicts (2 of 4 stars). 2 submissions from 2 submitters: Pathogenic (2). Last evaluated 2025-08-04.

Conditions:
Coffin-Lowry syndrome (CLS). Also called: COFFIN-LOWRY SYNDROME, MILD; Mental retardation with osteocartilaginous abnormalities. Identifiers: Orphanet 192, MedGen C0265252, MONDO:0010561, OMIM 303600.

Submissions (2):

3billion
Classification: Pathogenic for Coffin-Lowry syndrome. Last evaluated: 2025-08-04. Review status: criteria provided, single submitter. Criteria: ACMG Guidelines, 2015. Collection method: clinical testing. Allele origin: germline. Affected: yes.
Comment: The variant is not observed in the gnomAD v4.1.0 dataset. Predicted Consequence/Location: Stop-gained (nonsense): predicted to result in a loss or disruption of normal protein function through nonsense-mediated decay (NMD) or protein truncation. Multiple pathogenic variants are reported downstream of the variant. The variant has been reported to be associated with RPS6KA3-related disorder (ClinVar ID: VCV001200131 /PMID: 9837815). Therefore, this variant is classified as Pathogenic according to the recommendation of ACMG/AMP guideline.

GeneDx
Classification: Pathogenic. Last evaluated: 2024-10-02. Review status: criteria provided, single submitter. Criteria: GeneDx Variant Classification Process June 2021. Collection method: clinical testing. Allele origin: germline. Affected: yes.
Comment: Nonsense variant predicted to result in protein truncation or nonsense mediated decay in a gene for which loss of function is a known mechanism of disease; Not observed at significant frequency in large population cohorts (gnomAD); This variant is associated with the following publications: (PMID: 11180593, 25525159, 9837815)

Literature cited by the submitters: PubMed 9837815 (cited by 3billion).

NM_004586.3(RPS6KA3):c.817C>T (p.Arg273Ter)

Gene: RPS6KA3 (ribosomal protein S6 kinase A3; minus strand). Cytogenetic location: Xp22.12.
Variant type: single nucleotide variant.
Coding change: c.817C>T on transcript NM_004586.3 (MANE Select); coding-DNA position 817, C replaced by T.
Protein change: p.Arg273Ter; replaces arginine 273 with a stop codon.
Molecular consequence: nonsense.
Genome position (GRCh38, 1-based): chrX:20,186,324, G>A on the plus strand (C>T on the coding strand, the complement: RPS6KA3 is on the minus strand). VCF-style: chrX-20186324-G-A. GRCh37 (hg19) VCF-style: chrX-20204442-G-A.
Other names: short protein forms R273*.
Identifiers: ClinVar variation 1200131 (VCV001200131.5), dbSNP rs2067980233, ClinGen allele CA412518791.